The following is an entry in ClinVar:

NM_014780.5(CUL7):c.25G>C (p.Glu9Gln)

Gene: CUL7 (cullin 7; minus strand). Cytogenetic location: 6p21.1.
Variant type: single nucleotide variant.
Coding change: c.25G>C on transcript NM_014780.5 (MANE Select); coding-DNA position 25, G replaced by C.
Protein change: p.Glu9Gln; replaces glutamic acid 9 with glutamine.
Molecular consequence: missense variant.
Genome position (GRCh38, 1-based): chr6:43,052,764, C>G on the plus strand (G>C on the coding strand, the complement: CUL7 is on the minus strand). VCF-style: chr6-43052764-C-G. GRCh37 (hg19) VCF-style: chr6-43020502-C-G.
Other names: c.25G>C, p.Glu9Gln (NM_001168370.2, NM_001374872.1, NM_001374873.1 and 1 more transcripts); c.25G>C (NM_014780.4); short protein forms E9Q.
Identifiers: ClinVar variation 195301 (VCV000195301.11), dbSNP rs375192347, ClinGen allele CA241669.

ClinVar aggregate classification (germline): Uncertain significance. Review status: criteria provided, multiple submitters, no conflicts (2 of 4 stars). 4 submissions from 4 submitters: Uncertain significance (4). Last evaluated 2025-08-27.

Conditions:
Inborn genetic diseases. Identifiers: MedGen C0950123, MeSH D030342.

Allele frequency attached by ClinVar (database versions not stated): gnomAD 0.00012 and 0.00010; ESP Exome Variant Server 0.00015; TOPMed 0.00022; 1000 Genomes Project 0.00040; 1000 Genomes Project 30x 0.00062; gnomAD exomes 0.00002 and 0.00005; ExAC 0.00006.
gnomAD v4.1: 33 of 1,607,508 alleles (0.0021%); highest among the groups gnomAD compares: Admixed American, 0.022%; no homozygotes.

Submissions (4):

Ambry Genetics
Classification: Uncertain significance for Inborn genetic diseases. Last evaluated: 2025-08-27. Review status: criteria provided, single submitter. Criteria: Ambry Variant Classification Scheme 2023. Collection method: clinical testing. Allele origin: germline.

Women's Health and Genetics/Laboratory Corporation of America, LabCorp
Classification: Uncertain significance. Last evaluated: 2023-12-21. Review status: criteria provided, single submitter. Criteria: LabCorp Variant Classification Summary - May 2015. Collection method: clinical testing. Allele origin: germline.
Comment: Variant summary: CUL7 c.25G>C (p.Glu9Gln) results in a conservative amino acid change in the encoded protein sequence. Four of five in-silico tools predict a benign effect of the variant on protein function. The variant allele was found at a frequency of 4.6e-05 in 240798 control chromosomes (gnomAD). This frequency is not significantly higher than estimated for a pathogenic variant in CUL7 causing Three M Syndrome 1 (4.6e-05 vs 0.0011), allowing no conclusion about variant significance. To our knowledge, no occurrence of c.25G>C in individuals affected with Three M Syndrome 1 and no experimental evidence demonstrating its impact on protein function have been reported. Two submitters have cited clinical-significance assessments for this variant to ClinVar after 2014. All submitters classified the variant as uncertain significance. Based on the evidence outlined above, the variant was classified as uncertain significance.

Labcorp Genetics (formerly Invitae), Labcorp
Classification: Uncertain significance. Last evaluated: 2022-02-05. Review status: criteria provided, single submitter. Criteria: Invitae Variant Classification Sherloc (09022015). Collection method: clinical testing. Allele origin: germline.
Comment: This sequence change replaces glutamic acid, which is acidic and polar, with glutamine, which is neutral and polar, at codon 9 of the CUL7 protein (p.Glu9Gln). This variant is present in population databases (rs375192347, gnomAD 0.03%). This variant has not been reported in the literature in individuals affected with CUL7-related conditions. ClinVar contains an entry for this variant (Variation ID: 195301). Algorithms developed to predict the effect of missense changes on protein structure and function are either unavailable or do not agree on the potential impact of this missense change (SIFT: "Tolerated"; PolyPhen-2: "Probably Damaging"; Align-GVGD: "Class C0"). In summary, the available evidence is currently insufficient to determine the role of this variant in disease. Therefore, it has been classified as a Variant of Uncertain Significance.

Eurofins Ntd Llc (ga)
Classification: Uncertain significance. Last evaluated: 2018-01-23. Review status: criteria provided, single submitter. Criteria: EGL Classification Definitions 2015. Collection method: clinical testing. Allele origin: germline. Observed: 2 variant alleles, 2 heterozygotes.